The following is an entry in ClinVar:

NM_000384.3(APOB):c.3507T>C (p.Tyr1169=)

Gene: APOB (apolipoprotein B; minus strand). Cytogenetic location: 2p24.1.
Variant type: single nucleotide variant.
Coding change: c.3507T>C on transcript NM_000384.3 (MANE Select); coding-DNA position 3507, T replaced by C.
Protein change: p.Tyr1169=; no amino-acid change (tyrosine 1169 retained).
Molecular consequence: synonymous variant.
Genome position (GRCh38, 1-based): chr2:21,015,371, A>G on the plus strand (T>C on the coding strand, the complement: APOB is on the minus strand). VCF-style: chr2-21015371-A-G. GRCh37 (hg19) VCF-style: chr2-21238243-A-G.
Identifiers: ClinVar variation 390630 (VCV000390630.19), dbSNP rs141763789, ClinGen allele CA058960.

ClinVar aggregate classification (germline): Conflicting classifications of pathogenicity. Review status: criteria provided, conflicting classifications (1 of 4 stars). 10 submissions from 10 submitters: Uncertain significance (1); Benign (1); Likely benign (6). 2 of the submissions do not count toward it. Last evaluated 2026-09-01.

Conditions:
Familial hypercholesterolemia. Also called: Familial hypercholesterolemias; Familial hypercholesterolaemia. Identifiers: MedGen C0020445, MONDO:0005439.
Cardiovascular phenotype. Identifiers: MedGen CN230736.
Familial hypobetalipoproteinemia 1. Also called: Hypobetalipoproteinemia, normotriglyceridemic; Acanthocytosis with hypobetalipoproteinemia; APOB-Related Familial Hypobetalipoproteinemia. Identifiers: MedGen C4551990, MONDO:0014252, OMIM 615558.
Hypercholesterolemia, autosomal dominant, type B (FHCL2). Also called: Hyperlipoproteinemia Type IIb; APOB-Related Familial Hypercholesterolemia, Autosomal Dominant; Familial Hypercholesterolemia Type B; Familial hypercholesterolemia 2; APOLIPOPROTEIN B-100, FAMILIAL DEFECTIVE; APOLIPOPROTEIN B-100, FAMILIAL LIGAND-DEFECTIVE. Identifiers: MedGen C1704417, MONDO:0007751, OMIM 144010.

Allele frequency attached by ClinVar (database versions not stated): TOPMed 0.00017; gnomAD exomes 0.00020 and 0.00023; gnomAD 0.00021 and 0.00022; ExAC 0.00022; ESP Exome Variant Server 0.00023; 1000 Genomes Project 30x 0.00031; 1000 Genomes Project 0.00040.
gnomAD v4.1: 370 of 1,614,176 alleles (0.023%); highest among the groups gnomAD compares: Non-Finnish European, 0.028%; 1 homozygote.

Submissions (10):

CeGaT Center for Human Genetics Tuebingen
Classification: Likely benign. Last evaluated: 2026-09-01. Review status: criteria provided, single submitter. Criteria: CeGaT Center For Human Genetics Tuebingen Variant Classification Criteria Version 2. Collection method: clinical testing. Allele origin: germline. Affected: yes. Observed: 2 variant alleles.
Comment: APOB: BP4, BP7

Labcorp Genetics (formerly Invitae), Labcorp
Classification: Uncertain significance for Familial hypobetalipoproteinemia 1; Hypercholesterolemia, autosomal dominant, type B. Last evaluated: 2026-01-21. Review status: criteria provided, single submitter. Criteria: Invitae Variant Classification Sherloc (09022015). Collection method: clinical testing. Allele origin: germline.
Comment: This sequence change affects codon 1169 of the APOB mRNA. It is a 'silent' change, meaning that it does not change the encoded amino acid sequence of the APOB protein. It affects a nucleotide within the consensus splice site. This variant is present in population databases (rs141763789, gnomAD 0.03%). This variant has not been reported in the literature in individuals affected with APOB-related conditions. ClinVar contains an entry for this variant (Variation ID: 390630). Algorithms developed to predict the effect of sequence changes on RNA splicing suggest that this variant is not likely to affect RNA splicing. In summary, the available evidence is currently insufficient to determine the role of this variant in disease. Therefore, it has been classified as a Variant of Uncertain Significance.

Molecular Diagnostic Laboratory for Inherited Cardiovascular Disease, Montreal Heart Institute
Classification: Likely benign. Last evaluated: 2025-04-09. Review status: criteria provided, single submitter. Criteria: ACMG Guidelines, 2015. Collection method: clinical testing. Allele origin: germline. Affected: no.

Blueprint Genetics
Classification: Likely benign. Last evaluated: 2024-09-24. Review status: criteria provided, single submitter. Criteria: ACMG Guidelines, 2015. Collection method: clinical testing. Allele origin: germline.

GENinCode PLC
Classification: Likely benign for Familial hypercholesterolemia. Last evaluated: 2024-02-29. Review status: criteria provided, single submitter. Criteria: ACMG Guidelines, 2015. Collection method: clinical testing. Allele origin: germline.
Comment: This is a synonymous (silent) variant that is not predicted by SpliceAI to impact splicing. In addition, it occurs at a nucleotide that is not conserved. Therefore this variant has been classified as Likely Benign (BP4, BP7).

Quest Diagnostics Nichols Institute San Juan Capistrano
Classification: Benign. Last evaluated: 2023-06-26. Review status: criteria provided, single submitter. Criteria: Quest Diagnostics criteria. Collection method: clinical testing. Allele origin: unknown.

GeneDx
Classification: Likely benign. Last evaluated: 2017-06-13. Review status: criteria provided, single submitter. Criteria: GeneDx Variant Classification (06012015). Collection method: clinical testing. Allele origin: germline. Affected: yes.
Comment: This variant is considered likely benign or benign based on one or more of the following criteria: it is a conservative change, it occurs at a poorly conserved position in the protein, it is predicted to be benign by multiple in silico algorithms, and/or has population frequency not consistent with disease.

Ambry Genetics
Classification: Likely benign for Cardiovascular phenotype. Last evaluated: 2017-04-13. Review status: criteria provided, single submitter. Criteria: Ambry Variant Classification Scheme 2023. Collection method: clinical testing. Allele origin: germline.

Clinical Genetics DNA and cytogenetics Diagnostics Lab, Erasmus MC, Erasmus Medical Center
Classification: Likely benign. Review status: no assertion criteria provided. Collection method: clinical testing. Allele origin: germline. Affected: yes. Study: VKGL Data-share Consensus. Not counted in ClinVar's aggregate classification.

Clinical Genetics, Academic Medical Center
Classification: Benign. Review status: no assertion criteria provided. Collection method: clinical testing. Allele origin: germline. Affected: yes. Study: VKGL Data-share Consensus. Not counted in ClinVar's aggregate classification.